The following is an entry in ClinVar:

ClinVar aggregate classification (germline): Uncertain significance (1 of 4 stars; one submission).

Conditions:
Early Myoclonic Encephalopathy. Identifiers: MedGen C0270855.

Allele frequency attached by ClinVar (database versions not stated): TOPMed 0.00002; gnomAD exomes 0.00002; gnomAD 0.00001.
gnomAD v4.1: 26 of 1,613,732 alleles (0.0016%); highest among the groups gnomAD compares: Non-Finnish European, 0.002%; no homozygotes.

Submission:

Labcorp Genetics (formerly Invitae), Labcorp
Classification: Uncertain significance for Early Myoclonic Encephalopathy. Last evaluated: 2025-11-24. Review status: criteria provided, single submitter. Criteria: Invitae Variant Classification Sherloc (09022015). Collection method: clinical testing. Allele origin: germline.
Comment: This sequence change replaces valine, which is neutral and non-polar, with isoleucine, which is neutral and non-polar, at codon 1467 of the JMJD1C protein (p.Val1467Ile). This variant is present in population databases (no rsID available, gnomAD 0.002%). This missense change has been observed in individual(s) with a developmental disorder (PMID: 31785789). ClinVar contains an entry for this variant (Variation ID: 2914167). Invitae Evidence Modeling of protein sequence and biophysical properties (such as structural, functional, and spatial information, amino acid conservation, physicochemical variation, residue mobility, and thermodynamic stability) indicates that this missense variant is not expected to disrupt JMJD1C protein function with a negative predictive value of 80%. In summary, the available evidence is currently insufficient to determine the role of this variant in disease. Therefore, it has been classified as a Variant of Uncertain Significance.

Literature cited by the submitters: PubMed 31785789.

NM_032776.3(JMJD1C):c.4399G>A (p.Val1467Ile)

Gene: JMJD1C (jumonji domain containing 1C; minus strand). Cytogenetic location: 10q21.3.
Variant type: single nucleotide variant.
Coding change: c.4399G>A on transcript NM_032776.3 (MANE Select); coding-DNA position 4399, G replaced by A.
Protein change: p.Val1467Ile; replaces valine 1467 with isoleucine.
Molecular consequence: missense variant. On other transcripts: non-coding transcript variant (1).
Genome position (GRCh38, 1-based): chr10:63,207,270, C>T on the plus strand (G>A on the coding strand, the complement: JMJD1C is on the minus strand). VCF-style: chr10-63207270-C-T. GRCh37 (hg19) VCF-style: chr10-64967030-C-T.
Other names: c.3853G>A, p.Val1285Ile (NM_001282948.2, NM_001318154.2); c.3535G>A, p.Val1179Ile (NM_001318153.2); c.4285G>A, p.Val1429Ile (NM_001322252.2); c.3742G>A, p.Val1248Ile (NM_001322254.2, NM_001322258.2); short protein forms V1179I, V1248I, V1285I, V1429I, V1467I.
Identifiers: ClinVar variation 2914167 (VCV002914167.3), dbSNP rs1479980345, ClinGen allele CA377037664.